The following is an entry in ClinVar:

ClinVar aggregate classification (germline): Likely benign (1 of 4 stars; one submission).

Allele frequency attached by ClinVar (database versions not stated): gnomAD exomes 0.00059; gnomAD 0.00550 and 0.00590; TOPMed 0.00625; 1000 Genomes Project 0.00639; 1000 Genomes Project 30x 0.00765.
gnomAD v4.1: 1,481 of 1,238,220 alleles (0.12%); highest among the groups gnomAD compares: African/African-American, 2%; 14 homozygotes.

Submission:

GeneDx
Classification: Likely benign. Last evaluated: 2018-06-15. Review status: criteria provided, single submitter. Criteria: GeneDx Variant Classification (06012015). Collection method: clinical testing. Allele origin: germline. Affected: yes.
Comment: This variant is considered likely benign or benign based on one or more of the following criteria: it is a conservative change, it occurs at a poorly conserved position in the protein, it is predicted to be benign by multiple in silico algorithms, and/or has population frequency not consistent with disease.

NM_015450.3(POT1):c.256-64G>A

Gene: POT1 (protection of telomeres 1; minus strand). Cytogenetic location: 7q31.33.
Variant type: single nucleotide variant.
Coding change: c.256-64G>A on transcript NM_015450.3 (MANE Select); 64 bases into the intron before coding-DNA position 256, G replaced by A.
Molecular consequence: intron variant.
Genome position (GRCh38, 1-based): chr7:124,863,704, C>T on the plus strand (G>A on the coding strand, the complement: POT1 is on the minus strand). VCF-style: chr7-124863704-C-T. GRCh37 (hg19) VCF-style: chr7-124503758-C-T.
Other names: c.-138-64G>A (NM_001042594.2).
Identifiers: ClinVar variation 679379 (VCV000679379.1), dbSNP rs115093434, ClinGen allele CA166074384.
Genomic context (GRCh38, chr7:124,863,704, plus strand): 5'-AGAAAGTAGGGCAAAGTAGAAAACAGATACAAATAAAATAGCTTACTGATGCACAACCTA[C>T]GAACCAAAGAAACTGGAAAGATTATCAATTTTGCCAGCATAATTAAGAGAGGGCATTTTT-3'